The following is an entry in ClinVar:

NM_004423.4(DVL3):c.1672_1705del (p.Tyr558fs)

Gene: DVL3 (dishevelled segment polarity protein 3; plus strand). Cytogenetic location: 3q27.1.
Variant type: Deletion.
Coding change: c.1672_1705del on transcript NM_004423.4 (MANE Select); coding-DNA positions 1672 to 1705, 34 bases deleted.
Protein change: p.Tyr558fs; shifts the reading frame from tyrosine 558.
Molecular consequence: frameshift variant.
Genome position (GRCh38, 1-based): chr3:184,170,179-184,170,212, 34 bases deleted; deleting any 34 consecutive bases within chr3:184,170,177-184,170,212 gives the same sequence; the c. name uses the placement nearest the transcript's 3' end. GRCh37 (hg19): chr3:183,887,967-183,888,000.
Other names: short protein forms Y558fs.
Identifiers: ClinVar variation 3764613 (VCV003764613.1).
Genomic context (GRCh38, chr3:184,170,176, plus strand): 5'-CCGTACCAGTACCCGCCACCCCCGCACCCATACAACCCGCACCCGGGCTTCCCGGAGCTG[GGCTACAGCTACGGCGGGGGCAGCGCCAGCAGTCA>G]GCACAGCGAAGGTAAGGTAGAGGGGCCGTGGAGGAAGGCTATAGGTGGGCCCCAGGCTTC-3'

ClinVar aggregate classification (germline): Pathogenic (1 of 4 stars; one submission).

Conditions:
Autosomal dominant Robinow syndrome 3. Identifiers: Orphanet 3107, Orphanet 97360, MedGen C4225164, MONDO:0014819, OMIM 616894.

Submission:

Daryl Scott Lab, Baylor College of Medicine
Classification: Pathogenic for Autosomal dominant Robinow syndrome 3. Last evaluated: 2024-01-01. Review status: criteria provided, single submitter. Criteria: ACMG Guidelines, 2015. Collection method: clinical testing. Allele origin: unknown. Affected: yes. Observed: 1 heterozygote.
Comment: PVS1, PM2